The following is an entry in ClinVar:

NM_007215.4(POLG2):c.702G>C (p.Lys234Asn)

Genes: MILR1 (mast cell immunoglobulin like receptor 1; plus strand), POLG2 (DNA polymerase gamma 2, accessory subunit; minus strand). Cytogenetic location: 17q23.3.
Variant type: single nucleotide variant.
Coding change: c.702G>C on transcript NM_007215.4 (MANE Select); coding-DNA position 702, G replaced by C.
Protein change: p.Lys234Asn; replaces lysine 234 with asparagine.
Molecular consequence: missense variant.
Genome position (GRCh38, 1-based): chr17:64,492,760, C>G on the plus strand (G>C on the coding strand, the complement: POLG2 is on the minus strand). VCF-style: chr17-64492760-C-G. GRCh37 (hg19) VCF-style: chr17-62488877-C-G.
Other names: short protein forms K234N.
Identifiers: ClinVar variation 2771688 (VCV002771688.3), dbSNP rs2038083704, ClinGen allele CA400639230.

ClinVar aggregate classification (germline): Uncertain significance (1 of 4 stars; one submission).

Submission:

Labcorp Genetics (formerly Invitae), Labcorp
Classification: Uncertain significance. Last evaluated: 2023-10-24. Review status: criteria provided, single submitter. Criteria: Invitae Variant Classification Sherloc (09022015). Collection method: clinical testing. Allele origin: germline.
Comment: This sequence change replaces lysine, which is basic and polar, with asparagine, which is neutral and polar, at codon 234 of the POLG2 protein (p.Lys234Asn). This variant is not present in population databases (gnomAD no frequency). This variant has not been reported in the literature in individuals affected with POLG2-related conditions. An algorithm developed to predict the effect of missense changes on protein structure and function (PolyPhen-2) suggests that this variant is likely to be tolerated. In summary, the available evidence is currently insufficient to determine the role of this variant in disease. Therefore, it has been classified as a Variant of Uncertain Significance.